The following is an entry in ClinVar:

ClinVar aggregate classification (germline): Uncertain significance. Review status: criteria provided, multiple submitters, no conflicts (2 of 4 stars). 3 submissions from 3 submitters: Uncertain significance (3). Last evaluated 2026-06-18.

Conditions:
MYO3A-related disorder. Also called: MYO3A-related condition.
Inborn genetic diseases. Identifiers: MedGen C0950123, MeSH D030342.

gnomAD v4.1: 4 of 1,613,610 alleles (0.00025%); highest among the groups gnomAD compares: African/African-American, 0.004%; no homozygotes.

Submissions (3):

PreventionGenetics, part of Exact Sciences
Classification: Uncertain significance for MYO3A-related condition. Last evaluated: 2026-06-18. Review status: criteria provided, single submitter. Criteria: ACMG Guidelines, 2015. Collection method: clinical testing. Allele origin: germline.
Comment: The MYO3A c.4682G>A variant is predicted to result in the amino acid substitution p.Arg1561Gln. To our knowledge, this variant has not been reported in the literature. This variant is reported in 0.0080% of alleles in individuals of African descent in gnomAD. At this time, the clinical significance of this variant is uncertain due to the absence of conclusive functional and genetic evidence.

Women's Health and Genetics/Laboratory Corporation of America, LabCorp
Classification: Uncertain significance. Last evaluated: 2025-10-29. Review status: criteria provided, single submitter. Criteria: LabCorp Variant Classification Summary - May 2015. Collection method: clinical testing. Allele origin: germline.
Comment: Variant summary: MYO3A c.4682G>A (p.Arg1561Gln) results in a conservative amino acid change in the encoded protein sequence. Algorithms developed to predict the effect of missense changes on protein structure and function all suggest that this variant is likely to be tolerated. The variant allele was found at a frequency of 4e-06 in 251350 control chromosomes. The available data on variant occurrences in the general population are insufficient to allow any conclusion about variant significance. To our knowledge, no occurrence of c.4682G>A in individuals affected with MYO3A-related conditions and no experimental evidence demonstrating its impact on protein function have been reported. ClinVar contains an entry for this variant (Variation ID: 4115563). Based on the evidence outlined above, the variant was classified as uncertain significance.

Ambry Genetics
Classification: Uncertain significance for Inborn genetic diseases. Last evaluated: 2025-08-10. Review status: criteria provided, single submitter. Criteria: Ambry Variant Classification Scheme 2023. Collection method: clinical testing. Allele origin: germline.

NM_017433.5(MYO3A):c.4682G>A (p.Arg1561Gln)

Gene: MYO3A (myosin IIIA; plus strand). Cytogenetic location: 10p12.1.
Variant type: single nucleotide variant.
Coding change: c.4682G>A on transcript NM_017433.5 (MANE Select); coding-DNA position 4682, G replaced by A.
Protein change: p.Arg1561Gln; replaces arginine 1561 with glutamine.
Molecular consequence: missense variant.
Genome position (GRCh38, 1-based): chr10:26,203,059, G>A. VCF-style: chr10-26203059-G-A. GRCh37 (hg19) VCF-style: chr10-26491988-G-A.
Other names: short protein forms R1561Q.
Identifiers: ClinVar variation 4115563 (VCV004115563.3).